The following is an entry in ClinVar:

ClinVar aggregate classification (germline): Benign/Likely benign. Review status: criteria provided, multiple submitters, no conflicts (2 of 4 stars). 9 submissions from 9 submitters: Benign (5); Likely benign (3). 1 of the submissions does not count toward it. Last evaluated 2026-02-02.

Conditions:
Epidermolysis bullosa simplex 5C, with pyloric atresia (EBS5C). Also called: PLEC-Related Epidermolysis Bullosa with Pyloric Atresia; Epidermolysis bullosa simplex with pyloric atresia; PLEC1-Related Epidermolysis Bullosa with Pyloric Atresia. Identifiers: Orphanet 158684, MedGen C2677349, MONDO:0012807, OMIM 612138.
Autosomal recessive limb-girdle muscular dystrophy type 2Q (LGMDR17). Also called: MUSCULAR DYSTROPHY, LIMB-GIRDLE, AUTOSOMAL RECESSIVE 17. Identifiers: Orphanet 254361, MedGen C3150989, MONDO:0013390, OMIM 613723.
Epidermolysis bullosa simplex with nail dystrophy (EBS5D). Identifiers: MedGen C4225309, MONDO:0014661, OMIM 616487.
Epidermolysis bullosa simplex 5B, with muscular dystrophy (EBS5B). Also called: Epidermolysis bullosa simplex with muscular dystrophy; EPIDERMOLYSIS BULLOSA SIMPLEX AND LIMB-GIRDLE MUSCULAR DYSTROPHY. Identifiers: Orphanet 257, MedGen C2931072, MONDO:0009181, OMIM 226670.
Junctional epidermolysis bullosa with pyloric atresia. Also called: APLASIA CUTIS CONGENITA WITH GASTROINTESTINAL ATRESIA; ITGB4-Related Epidermolysis Bullosa with Pyloric Atresia; ITGA6-Related Epidermolysis Bullosa with Pyloric Atresia; Epidermolysis bullosa, junctional, with pyloric atresia and aplasia cutis congenita; Epidermolysis bullosa junctionalis with pyloric atresia; CARMI SYNDROME. Identifiers: Orphanet 79403, MedGen C5676875, MONDO:0009183, OMIM 226730.
Epidermolysis bullosa simplex, Ogna type (EBS5A). Also called: Pidermolysis bullosa simplex 5A, Ogna type; EPIDERMOLYSIS BULLOSA SIMPLEX 5A, OGNA TYPE. Identifiers: Orphanet 79401, MedGen C0432317, MONDO:0007555, OMIM 131950.

Allele frequency attached by ClinVar (database versions not stated): gnomAD exomes 0.00429 and 0.00540; ExAC 0.00599; 1000 Genomes Project 0.01198; ESP Exome Variant Server 0.01282; 1000 Genomes Project 30x 0.01296; gnomAD 0.01343 and 0.01433; TOPMed 0.01473.
gnomAD v4.1: 8,309 of 1,609,092 alleles (0.52%); highest among the groups gnomAD compares: African/African-American, 3.9%; 78 homozygotes.

Submissions (9):

Labcorp Genetics (formerly Invitae), Labcorp
Classification: Benign for Autosomal recessive limb-girdle muscular dystrophy type 2Q; Epidermolysis bullosa simplex, Ogna type; Epidermolysis bullosa simplex with nail dystrophy; Epidermolysis bullosa simplex 5C, with pyloric atresia; Epidermolysis bullosa simplex 5B, with muscular dystrophy. Last evaluated: 2026-02-02. Review status: criteria provided, single submitter. Criteria: Invitae Variant Classification Sherloc (09022015). Collection method: clinical testing. Allele origin: germline.

Athena Diagnostics
Classification: Benign. Last evaluated: 2024-10-16. Review status: criteria provided, single submitter. Criteria: Athena Diagnostics Criteria. Collection method: clinical testing. Allele origin: unknown.

Fulgent Genetics
Classification: Likely benign for Epidermolysis bullosa simplex, Ogna type; Epidermolysis bullosa simplex 5B, with muscular dystrophy; Junctional epidermolysis bullosa with pyloric atresia; Epidermolysis bullosa simplex 5C, with pyloric atresia; Autosomal recessive limb-girdle muscular dystrophy type 2Q; Epidermolysis bullosa simplex with nail dystrophy. Last evaluated: 2021-08-30. Review status: criteria provided, single submitter. Criteria: ACMG Guidelines, 2015. Collection method: clinical testing. Allele origin: unknown.

Mayo Clinic Laboratories, Mayo Clinic
Classification: Benign. Last evaluated: 2018-11-19. Review status: criteria provided, single submitter. Criteria: ACMG Guidelines, 2015. Collection method: clinical testing. Allele origin: germline. Observed: 8 variant alleles.

GeneDx
Classification: Benign. Last evaluated: 2016-07-07. Review status: criteria provided, single submitter. Criteria: GeneDx Variant Classification (06012015). Collection method: clinical testing. Allele origin: germline. Affected: yes.
Comment: This variant is considered likely benign or benign based on one or more of the following criteria: it is a conservative change, it occurs at a poorly conserved position in the protein, it is predicted to be benign by multiple in silico algorithms, and/or has population frequency not consistent with disease.

Center for Pediatric Genomic Medicine, Children's Mercy Hospital and Clinics
Classification: Likely benign. Last evaluated: 2015-09-29. Review status: criteria provided, single submitter. Criteria: ACMG Guidelines, 2015. Collection method: clinical testing. Allele origin: germline.
ClinVar note: Converted during submission from Likely Benign to Likely benign.

Laboratory for Molecular Medicine, Mass General Brigham Personalized Medicine
Classification: Benign. Last evaluated: 2015-01-13. Review status: criteria provided, single submitter. Criteria: LMM Criteria. Collection method: clinical testing. Allele origin: germline. Observed: 1 variant allele.
Comment: p.Arg2808Gln in exon 32 of PLEC: This variant is not expected to have clinical s ignificance because it has been identified in 3.0% (131/4296) of African America n chromosomes from a broad population by the NHLBI Exome Sequencing Project (dbSNP rs28526657).

Breakthrough Genomics
Classification: Likely benign. Review status: criteria provided, single submitter. Criteria: ACMG Guidelines, 2015. Collection method: not provided. Allele origin: germline. Inheritance: Autosomal recessive inheritance. Affected: yes.

Genetic Services Laboratory, University of Chicago
Classification: Likely benign for AllHighlyPenetrant. Review status: no assertion criteria provided. Collection method: clinical testing. Allele origin: germline. Inheritance: Autosomal recessive inheritance. Not counted in ClinVar's aggregate classification.
Comment: Likely benign based on allele frequency in 1000 Genomes Project or ESP global frequency and its presence in a patient with a rare or unrelated disease phenotype. NOT Sanger confirmed.

Literature cited by the submitters: PubMed 31641117 (cited by Athena Diagnostics).

NM_201384.3(PLEC):c.8012G>A (p.Arg2671Gln)

Gene: PLEC (plectin; minus strand). Cytogenetic location: 8q24.3.
Variant type: single nucleotide variant.
Coding change: c.8012G>A on transcript NM_201384.3 (MANE Select); coding-DNA position 8012, G replaced by A.
Protein change: p.Arg2671Gln; replaces arginine 2671 with glutamine.
Molecular consequence: missense variant.
Genome position (GRCh38, 1-based): chr8:143,921,809, C>T on the plus strand (G>A on the coding strand, the complement: PLEC is on the minus strand). VCF-style: chr8-143921809-C-T. GRCh37 (hg19) VCF-style: chr8-144995977-C-T.
Other names: p.Arg2657Gln; c.8093G>A, p.Arg2698Gln (NM_000445.5); c.7970G>A, p.Arg2657Gln (NM_201378.4); c.7946G>A, p.Arg2649Gln (NM_201379.3); c.8423G>A, p.Arg2808Gln (NM_201380.4); c.7916G>A, p.Arg2639Gln (NM_201381.3); c.8012G>A, p.Arg2671Gln (NM_201382.4); c.8024G>A, p.Arg2675Gln (NM_201383.3); short protein forms R2639Q, R2649Q, R2657Q, R2671Q, R2675Q, R2698Q, R2808Q.
Identifiers: ClinVar variation 129956 (VCV000129956.26), dbSNP rs28526657, ClinGen allele CA154618.